The following is an entry in ClinVar:

NM_004360.5(CDH1):c.388-7C>G

Gene: CDH1 (cadherin 1; plus strand). Cytogenetic location: 16q22.1.
Variant type: single nucleotide variant.
Coding change: c.388-7C>G on transcript NM_004360.5 (MANE Select); 7 bases into the intron before coding-DNA position 388, C replaced by G.
Molecular consequence: intron variant.
Genome position (GRCh38, 1-based): chr16:68,808,417, C>G. VCF-style: chr16-68808417-C-G. GRCh37 (hg19) VCF-style: chr16-68842320-C-G.
Other names: c.388-7C>G (LRG_301t1, NM_001317184.2); c.-1228-7C>G (NM_001317185.2); c.-1432-7C>G (NM_001317186.2).
Identifiers: ClinVar variation 386489 (VCV000386489.14), dbSNP rs201402744, ClinGen allele CA8129860.

ClinVar aggregate classification (germline): Likely benign. Review status: criteria provided, multiple submitters, no conflicts (2 of 4 stars). 3 submissions from 3 submitters: Likely benign (3). Last evaluated 2025-12-17.

Conditions:
Hereditary cancer-predisposing syndrome. Also called: Neoplastic Syndromes, Hereditary; Hereditary neoplastic syndrome; Tumor predisposition; Hereditary Cancer Syndrome. Identifiers: Orphanet 140162, MedGen C0027672, MeSH D009386, MONDO:0015356.
Hereditary diffuse gastric adenocarcinoma (HDGC). Also called: DIFFUSE GASTRIC AND LOBULAR BREAST CANCER SYNDROME. Identifiers: Orphanet 26106, MedGen C1708349, MONDO:0007648, OMIM 137215.

Allele frequency attached by ClinVar (database versions not stated): gnomAD 0.00001; ExAC 0.00002; gnomAD exomes 0.00002; TOPMed 0.00002.
gnomAD v4.1: 21 of 1,614,016 alleles (0.0013%); highest among the groups gnomAD compares: Non-Finnish European, 0.0018%; no homozygotes.

Submissions (3):

Labcorp Genetics (formerly Invitae), Labcorp
Classification: Likely benign for Hereditary diffuse gastric adenocarcinoma. Last evaluated: 2025-12-17. Review status: criteria provided, single submitter. Criteria: Invitae Variant Classification Sherloc (09022015). Collection method: clinical testing. Allele origin: germline.

Color Diagnostics, LLC DBA Color Health
Classification: Likely benign for Hereditary cancer-predisposing syndrome. Last evaluated: 2018-01-01. Review status: criteria provided, single submitter. Criteria: ACMG Guidelines, 2015. Collection method: clinical testing. Allele origin: germline.

GeneDx
Classification: Likely benign. Last evaluated: 2017-06-28. Review status: criteria provided, single submitter. Criteria: GeneDx Variant Classification (06012015). Collection method: clinical testing. Allele origin: germline. Affected: yes.
Comment: This variant is considered likely benign or benign based on one or more of the following criteria: it is a conservative change, it occurs at a poorly conserved position in the protein, it is predicted to be benign by multiple in silico algorithms, and/or has population frequency not consistent with disease.